The following is an entry in ClinVar:

ClinVar aggregate classification (germline): Uncertain significance (1 of 4 stars; one submission).

Conditions:
Asphyxiating thoracic dystrophy 5 (SRTD5). Also called: SHORT-RIB THORACIC DYSPLASIA 5 WITH OR WITHOUT POLYDACTYLY; SHORT-RIB THORACIC DYSPLASIA 5 WITHOUT POLYDACTYLY. Identifiers: Orphanet 474, MedGen C3280598, MONDO:0013717, OMIM 614376.
Senior-Loken syndrome 8 (SLSN8). Identifiers: Orphanet 3156, MedGen C4225376, MONDO:0014579, OMIM 616307.

Allele frequency attached by ClinVar (database versions not stated): gnomAD exomes below 0.00001.
gnomAD v4.1: 1 of 1,611,146 alleles (0.000062%); highest among the groups gnomAD compares: Non-Finnish European, 0.000085%; no homozygotes.

Submission:

Labcorp Genetics (formerly Invitae), Labcorp
Classification: Uncertain significance for Senior-Loken syndrome 8; Asphyxiating thoracic dystrophy 5. Last evaluated: 2024-12-02. Review status: criteria provided, single submitter. Criteria: Invitae Variant Classification Sherloc (09022015). Collection method: clinical testing. Allele origin: germline.
Comment: This sequence change replaces valine, which is neutral and non-polar, with isoleucine, which is neutral and non-polar, at codon 957 of the WDR19 protein (p.Val957Ile). This variant is not present in population databases (gnomAD no frequency). This variant has not been reported in the literature in individuals affected with WDR19-related conditions. ClinVar contains an entry for this variant (Variation ID: 1716687). Invitae Evidence Modeling of protein sequence and biophysical properties (such as structural, functional, and spatial information, amino acid conservation, physicochemical variation, residue mobility, and thermodynamic stability) indicates that this missense variant is not expected to disrupt WDR19 protein function with a negative predictive value of 80%. In summary, the available evidence is currently insufficient to determine the role of this variant in disease. Therefore, it has been classified as a Variant of Uncertain Significance.

NM_025132.4(WDR19):c.2869G>A (p.Val957Ile)

Gene: WDR19 (WD repeat domain 19; plus strand). Cytogenetic location: 4p14.
Variant type: single nucleotide variant.
Coding change: c.2869G>A on transcript NM_025132.4 (MANE Select); coding-DNA position 2869, G replaced by A.
Protein change: p.Val957Ile; replaces valine 957 with isoleucine.
Molecular consequence: missense variant.
Genome position (GRCh38, 1-based): chr4:39,253,285, G>A. VCF-style: chr4-39253285-G-A. GRCh37 (hg19) VCF-style: chr4-39254905-G-A.
Other names: c.2389G>A, p.Val797Ile (NM_001317924.2); short protein forms V797I, V957I.
Identifiers: ClinVar variation 1716687 (VCV001716687.5), dbSNP rs2475316730, ClinGen allele CA356641684.
Genomic context (GRCh38, chr4:39,253,285, plus strand): 5'-AATCCTGAAAAAGCTGTCAATATTGTTAGAGAGACCCAGTCTCTGGATGGAGCCAAAATG[G>A]TAGCCAGGTAACATAATACATTAATATTTTTGGACTTTCAAAAACTAACCATAAAAGTAA-3'
Protein context (NP_079408.3, residues 947-967): ETQSLDGAKM[Val957Ile]ARFFLQLGDY